The following is an entry in ClinVar:

ClinVar aggregate classification (germline): Benign (0 of 4 stars; one submission).

Conditions:
NLRP14-related disorder. Also called: NLRP14-related condition.

Allele frequency attached by ClinVar (database versions not stated): ESP Exome Variant Server 0.02625; 1000 Genomes Project 30x 0.01374; 1000 Genomes Project 0.01458; TOPMed 0.02197; gnomAD 0.02322.
gnomAD v4.1: 50,891 of 1,612,754 alleles (3.2%); highest among the groups gnomAD compares: Middle Eastern, 5%; 920 homozygotes.

Submission:

PreventionGenetics, part of Exact Sciences
Classification: Benign for NLRP14-related condition. Last evaluated: 2019-06-14. Review status: no assertion criteria provided. Collection method: clinical testing. Allele origin: germline.
Comment: This variant is classified as benign based on ACMG/AMP sequence variant interpretation guidelines (Richards et al. 2015 PMID: 25741868, with internal and published modifications).

NM_176822.4(NLRP14):c.2851T>A (p.Ser951Thr)

Gene: NLRP14 (NLR family pyrin domain containing 14; plus strand). Cytogenetic location: 11p15.4.
Variant type: single nucleotide variant.
Coding change: c.2851T>A on transcript NM_176822.4 (MANE Select); coding-DNA position 2851, T replaced by A.
Protein change: p.Ser951Thr; replaces serine 951 with threonine.
Molecular consequence: missense variant.
Genome position (GRCh38, 1-based): chr11:7,062,379, T>A. VCF-style: chr11-7062379-T-A. GRCh37 (hg19) VCF-style: chr11-7083610-T-A.
Other names: short protein forms S951T.
Identifiers: ClinVar variation 3060875 (VCV003060875.2), dbSNP rs117124176, ClinGen allele CA5865186.